The following is an entry in ClinVar:

ClinVar aggregate classification (germline): Uncertain significance (1 of 4 stars; one submission).

Conditions:
Melanoma, cutaneous malignant, susceptibility to, 5. Also called: Cutaneous malignant melanoma 5. Identifiers: Orphanet 618, MedGen C2751295, MONDO:0013133, OMIM 613099.

Allele frequency attached by ClinVar (database versions not stated): gnomAD 0.00003; TOPMed 0.00006; ExAC 0.00011.

Submission:

Labcorp Genetics (formerly Invitae), Labcorp
Classification: Uncertain significance for Melanoma, cutaneous malignant, susceptibility to, 5. Last evaluated: 2025-04-07. Review status: criteria provided, single submitter. Criteria: Invitae Variant Classification Sherloc (09022015). Collection method: clinical testing. Allele origin: germline.
Comment: This sequence change replaces valine, which is neutral and non-polar, with isoleucine, which is neutral and non-polar, at codon 174 of the MC1R protein (p.Val174Ile). This variant is present in population databases (rs762183931, gnomAD 0.03%). This missense change has been observed in individual(s) with vitiligo (PMID: 21430882). ClinVar contains an entry for this variant (Variation ID: 654898). Invitae Evidence Modeling of protein sequence and biophysical properties (such as structural, functional, and spatial information, amino acid conservation, physicochemical variation, residue mobility, and thermodynamic stability) indicates that this missense variant is not expected to disrupt MC1R protein function with a negative predictive value of 80%. In summary, the available evidence is currently insufficient to determine the role of this variant in disease. Therefore, it has been classified as a Variant of Uncertain Significance.

Literature cited by the submitters: PubMed 21430882.

NM_002386.4(MC1R):c.520G>A (p.Val174Ile)

Gene: MC1R (melanocortin 1 receptor; plus strand). Cytogenetic location: 16q24.3.
Variant type: single nucleotide variant.
Coding change: c.520G>A on transcript NM_002386.4 (MANE Select); coding-DNA position 520, G replaced by A.
Protein change: p.Val174Ile; replaces valine 174 with isoleucine.
Molecular consequence: missense variant.
Genome position (GRCh38, 1-based): chr16:89,919,778, G>A. VCF-style: chr16-89919778-G-A. GRCh37 (hg19) VCF-style: chr16-89986186-G-A.
Other names: short protein forms V174I.
Identifiers: ClinVar variation 654898 (VCV000654898.6), dbSNP rs762183931, ClinGen allele CA8255641.